The following is an entry in ClinVar:

NM_000059.4(BRCA2):c.9257-2158G>A

Gene: BRCA2 (BRCA2 DNA repair associated; plus strand). Cytogenetic location: 13q13.1.
Variant type: single nucleotide variant.
Coding change: c.9257-2158G>A on transcript NM_000059.4 (MANE Select); 2158 bases into the intron before coding-DNA position 9257, G replaced by A.
Molecular consequence: intron variant.
Genome position (GRCh38, 1-based): chr13:32,392,531, G>A. VCF-style: chr13-32392531-G-A. GRCh37 (hg19) VCF-style: chr13-32966668-G-A.
Other names: IVS 24-2158G>A.
Identifiers: ClinVar variation 209897 (VCV000209897.1), dbSNP rs11571811, ClinGen allele CA276865.

ClinVar aggregate classification (germline): Benign (3 of 4 stars; one submission).

Conditions:
Breast-ovarian cancer, familial, susceptibility to, 2 (BROVCA2). Also called: BRCA2 Hereditary Breast and Ovarian Cancer. Identifiers: Orphanet 145, MedGen C2675520, MONDO:0012933, OMIM 612555. Disease mechanism: loss of function.

Allele frequency attached by ClinVar (database versions not stated): gnomAD 0.03631 and 0.04031; TOPMed 0.04158; 1000 Genomes Project 0.07348; 1000 Genomes Project 30x 0.07355.

Submission:

Evidence-based Network for the Interpretation of Germline Mutant Alleles (ENIGMA)
Classification: Benign for Breast-ovarian cancer, familial 2. Last evaluated: 2015-01-12. Review status: reviewed by expert panel. Criteria: ENIGMA BRCA1/2 Classification Criteria (2015). Collection method: curation. Allele origin: germline.
Comment: Class 1 not pathogenic based on frequency >1% in an outbred sampleset. Frequency 0.1049 (Asian), 0.01423 (African), 0.0343 (European), derived from 1000 genomes (2012-04-30).